The following is an entry in ClinVar:

ClinVar aggregate classification (germline): Pathogenic (1 of 4 stars; one submission).

Conditions:
Sphingolipid activator protein 1 deficiency. Also called: Saposin B Deficiency; Metachromatic leukodystrophy due to saposin B deficiency; METACHROMATIC LEUKODYSTROPHY DUE TO CEREBROSIDE SULFATASE ACTIVATOR DEFICIENCY. Identifiers: Orphanet 512, MedGen C0268262, MONDO:0009590, OMIM 249900.

Submission:

Institute of Experimental Endocrinology, Slovak Academy of Sciences
Classification: Pathogenic for Sphingolipid activator protein 1 deficiency. Last evaluated: 2018-08-01. Review status: criteria provided, single submitter. Criteria: ACMG Guidelines, 2015. Collection method: clinical testing. Allele origin: maternal. Affected: yes. Observed: 1 compound heterozygote.
Comment: Observed in compound heterozygosity with NM_002778.2:c.679_681del.

Literature cited by the submitters: PubMed 30632081.

NM_002778.4(PSAP):c.1268del (p.Leu423fs)

Gene: PSAP (prosaposin; minus strand). Cytogenetic location: 10q22.1.
Variant type: Deletion.
Coding change: c.1268del on transcript NM_002778.4 (MANE Select); coding-DNA position 1268, one base deleted (T; older notation c.1268delT).
Protein change: p.Leu423fs; shifts the reading frame from leucine 423.
Molecular consequence: frameshift variant.
Genome position (GRCh38, 1-based): chr10:71,819,547, A deleted on the plus strand (T on the coding strand, the reverse complement: PSAP is on the minus strand). VCF-style (leftmost placement, unchanged base first): chr10-71819546-CA-C. GRCh37 (hg19) VCF-style: chr10-73579303-CA-C.
Other names: c.1277del, p.Leu426fs (NM_001042465.3); c.1274del, p.Leu425fs (NM_001042466.3); short protein forms L423fs, L425fs, L426fs.
Identifiers: ClinVar variation 562227 (VCV000562227.1), dbSNP rs1564815053, ClinGen allele CA913189408.